The following is an entry in ClinVar:

ClinVar aggregate classification (germline): Uncertain significance (1 of 4 stars; one submission).

Conditions:
Fucosidosis. Also called: ALPHA-L-FUCOSIDASE DEFICIENCY. Identifiers: Orphanet 349, MedGen C0016788, MONDO:0009254, OMIM 230000.

Allele frequency attached by ClinVar (database versions not stated): ExAC 0.00008.

Submission:

Labcorp Genetics (formerly Invitae), Labcorp
Classification: Uncertain significance for Fucosidosis. Last evaluated: 2021-08-14. Review status: criteria provided, single submitter. Criteria: Invitae Variant Classification Sherloc (09022015). Collection method: clinical testing. Allele origin: germline.
Comment: This sequence change replaces phenylalanine with leucine at codon 283 of the FUCA1 protein (p.Phe283Leu). The phenylalanine residue is weakly conserved and there is a small physicochemical difference between phenylalanine and leucine. The frequency data for this variant in the population databases is considered unreliable, as metrics indicate poor data quality at this position in the ExAC database. This variant has not been reported in the literature in individuals affected with FUCA1-related conditions. Algorithms developed to predict the effect of missense changes on protein structure and function are either unavailable or do not agree on the potential impact of this missense change (SIFT: "Deleterious"; PolyPhen-2: "Possibly Damaging"; Align-GVGD: "Class C0"). In summary, the available evidence is currently insufficient to determine the role of this variant in disease. Therefore, it has been classified as a Variant of Uncertain Significance.

NM_000147.5(FUCA1):c.849C>A (p.Phe283Leu)

Gene: FUCA1 (alpha-L-fucosidase 1; minus strand). Cytogenetic location: 1p36.11.
Variant type: single nucleotide variant.
Coding change: c.849C>A on transcript NM_000147.5 (MANE Select); coding-DNA position 849, C replaced by A.
Protein change: p.Phe283Leu; replaces phenylalanine 283 with leucine.
Molecular consequence: missense variant.
Genome position (GRCh38, 1-based): chr1:23,854,480, G>T on the plus strand (C>A on the coding strand, the complement: FUCA1 is on the minus strand). VCF-style: chr1-23854480-G-T. GRCh37 (hg19) VCF-style: chr1-24180970-G-T.
Other names: short protein forms F283L.
Identifiers: ClinVar variation 1509012 (VCV001509012.5), dbSNP rs754452752, ClinGen allele CA686440.